The following is an entry in ClinVar:

ClinVar aggregate classification (germline): Uncertain significance (1 of 4 stars; one submission).

Allele frequency attached by ClinVar (database versions not stated): gnomAD exomes below 0.00001.
gnomAD v4.1: 1 of 1,594,066 alleles (0.000063%); highest among the groups gnomAD compares: Non-Finnish European, 0.000086%; no homozygotes.

Submission:

Labcorp Genetics (formerly Invitae), Labcorp
Classification: Uncertain significance. Last evaluated: 2024-01-30. Review status: criteria provided, single submitter. Criteria: Invitae Variant Classification Sherloc (09022015). Collection method: clinical testing. Allele origin: germline.
Comment: This sequence change falls in intron 19 of the NEDD4L gene. It does not directly change the encoded amino acid sequence of the NEDD4L protein. It affects a nucleotide within the consensus splice site. This variant is not present in population databases (gnomAD no frequency). This variant has not been reported in the literature in individuals affected with NEDD4L-related conditions. Variants that disrupt the consensus splice site are a relatively common cause of aberrant splicing (PMID: 17576681, 9536098). Algorithms developed to predict the effect of sequence changes on RNA splicing suggest that this variant is not likely to affect RNA splicing. In summary, the available evidence is currently insufficient to determine the role of this variant in disease. Therefore, it has been classified as a Variant of Uncertain Significance.

Literature cited by the submitters: PubMed 17576681; PubMed 9536098.

NM_001144967.3(NEDD4L):c.1834-3T>C

Gene: NEDD4L (NEDD4 like E3 ubiquitin protein ligase; plus strand). Cytogenetic location: 18q21.31.
Variant type: single nucleotide variant.
Coding change: c.1834-3T>C on transcript NM_001144967.3 (MANE Select); 3 bases into the intron before coding-DNA position 1834, T replaced by C.
Molecular consequence: intron variant.
Genome position (GRCh38, 1-based): chr18:58,365,996, T>C. VCF-style: chr18-58365996-T-C. GRCh37 (hg19) VCF-style: chr18-56033228-T-C.
Other names: c.1774-3T>C (NM_015277.6); c.1642-3T>C (NM_001243960.2); c.1471-3T>C (NM_001144964.1, NM_001144965.2, NM_001144966.3); c.1411-3T>C (NM_001144971.2, NM_001144970.3); c.1810-3T>C (NM_001144968.2); c.1750-3T>C (NM_001144969.2).
Identifiers: ClinVar variation 2788238 (VCV002788238.3), dbSNP rs2517666014, ClinGen allele CA2641969788.